The following is an entry in ClinVar:

ClinVar aggregate classification (germline): Uncertain significance. Review status: criteria provided, multiple submitters, no conflicts (2 of 4 stars). 3 submissions from 3 submitters: Uncertain significance (3). Last evaluated 2024-12-23.

Conditions:
Ataxia-telangiectasia syndrome (AT). Also called: Ataxia-telangiectasia; LOUIS-BAR SYNDROME; Ataxia-telangiectasia, complementation group D; AT, COMPLEMENTATION GROUP C; ATAXIA-TELANGIECTASIA, COMPLEMENTATION GROUP A; ATAXIA-TELANGIECTASIA, FRESNO VARIANT. Identifiers: Orphanet 100, MedGen C0004135, MONDO:0008840, OMIM 208900.
Hereditary cancer-predisposing syndrome. Also called: Tumor predisposition; Neoplastic Syndromes, Hereditary; Hereditary Cancer Syndrome; Hereditary neoplastic syndrome. Identifiers: Orphanet 140162, MedGen C0027672, MeSH D009386, MONDO:0015356.

Allele frequency attached by ClinVar (database versions not stated): gnomAD exomes 0.00001.
gnomAD v4.1: 6 of 1,613,904 alleles (0.00037%); highest among the groups gnomAD compares: Non-Finnish European, 0.00051%; no homozygotes.

Submissions (3):

Labcorp Genetics (formerly Invitae), Labcorp
Classification: Uncertain significance for Ataxia-telangiectasia syndrome. Last evaluated: 2024-12-23. Review status: criteria provided, single submitter. Criteria: Invitae Variant Classification Sherloc (09022015). Collection method: clinical testing. Allele origin: germline.
Comment: This sequence change replaces phenylalanine, which is neutral and non-polar, with serine, which is neutral and polar, at codon 2219 of the ATM protein (p.Phe2219Ser). This variant is not present in population databases (gnomAD no frequency). This variant has not been reported in the literature in individuals affected with ATM-related conditions. ClinVar contains an entry for this variant (Variation ID: 1312127). Invitae Evidence Modeling of protein sequence and biophysical properties (such as structural, functional, and spatial information, amino acid conservation, physicochemical variation, residue mobility, and thermodynamic stability) has been performed for this missense variant. However, the output from this modeling did not meet the statistical confidence thresholds required to predict the impact of this variant on ATM protein function. In summary, the available evidence is currently insufficient to determine the role of this variant in disease. Therefore, it has been classified as a Variant of Uncertain Significance.

Ambry Genetics
Classification: Uncertain significance for Hereditary cancer-predisposing syndrome. Last evaluated: 2024-08-15. Review status: criteria provided, single submitter. Criteria: Ambry Variant Classification Scheme 2023. Collection method: clinical testing. Allele origin: germline.
Comment: The p.F2219S variant (also known as c.6656T>C), located in coding exon 45 of the ATM gene, results from a T to C substitution at nucleotide position 6656. The phenylalanine at codon 2219 is replaced by serine, an amino acid with highly dissimilar properties. This amino acid position is conserved. In addition, the in silico prediction for this alteration is inconclusive. Since supporting evidence is limited at this time, the clinical significance of this alteration remains unclear.

GeneDx
Classification: Uncertain significance. Last evaluated: 2019-09-06. Review status: criteria provided, single submitter. Criteria: GeneDx Variant Classification Process June 2021. Collection method: clinical testing. Allele origin: germline. Affected: yes.
Comment: Not observed in large population cohorts (Lek 2016); In silico analysis, which includes protein predictors and evolutionary conservation, supports a deleterious effect; Has not been previously published as pathogenic or benign to our knowledge

NM_000051.4(ATM):c.6656T>C (p.Phe2219Ser)

Genes: ATM (ATM serine/threonine kinase; plus strand), C11orf65 (chromosome 11 open reading frame 65; minus strand). Cytogenetic location: 11q22.3.
Variant type: single nucleotide variant.
Coding change: c.6656T>C on transcript NM_000051.4 (MANE Select); coding-DNA position 6656, T replaced by C.
Protein change: p.Phe2219Ser; replaces phenylalanine 2219 with serine.
Molecular consequence: missense variant. On other transcripts: intron variant (2).
Genome position (GRCh38, 1-based): chr11:108,325,393, T>C. VCF-style: chr11-108325393-T-C. GRCh37 (hg19) VCF-style: chr11-108196120-T-C.
Other names: c.6656T>C, p.Phe2219Ser (NM_001351834.2); c.641-16322A>G (NM_001330368.2); c.*38+9827A>G (NM_001351110.2); short protein forms F2219S.
Identifiers: ClinVar variation 1312127 (VCV001312127.9), dbSNP rs1244168959, ClinGen allele CA382554832.